The following is an entry in ClinVar:

ClinVar aggregate classification (germline): Uncertain significance (1 of 4 stars; one submission).

Allele frequency attached by ClinVar (database versions not stated): TOPMed 0.00001; ESP Exome Variant Server 0.00008.
gnomAD v4.1: 5 of 1,613,116 alleles (0.00031%); highest among the groups gnomAD compares: African/African-American, 0.0013%; no homozygotes.

Submission:

Labcorp Genetics (formerly Invitae), Labcorp
Classification: Uncertain significance. Last evaluated: 2023-05-05. Review status: criteria provided, single submitter. Criteria: Invitae Variant Classification Sherloc (09022015). Collection method: clinical testing. Allele origin: germline.
Comment: This variant has not been reported in the literature in individuals affected with ANKRD26-related conditions. In summary, the available evidence is currently insufficient to determine the role of this variant in disease. Therefore, it has been classified as a Variant of Uncertain Significance. Experimental studies and prediction algorithms are not available or were not evaluated, and the functional significance of this variant is currently unknown. This variant is present in population databases (rs370482604, gnomAD 0.01%). This sequence change creates a premature translational stop signal (p.Ser36*) in the ANKRD26 gene. It is expected to result in an absent or disrupted protein product. However, the current clinical and genetic evidence is not sufficient to establish whether loss-of-function variants in ANKRD26 cause disease.

NM_014915.3(ANKRD26):c.107C>A (p.Ser36Ter)

Genes: ANKRD26 (ankyrin repeat domain 26; minus strand), LOC130003554 (ATAC-STARR-seq lymphoblastoid silent region 2243; plus strand). Cytogenetic location: 10p12.1.
Variant type: single nucleotide variant.
Coding change: c.107C>A on transcript NM_014915.3 (MANE Select); coding-DNA position 107, C replaced by A.
Protein change: p.Ser36Ter; replaces serine 36 with a stop codon.
Molecular consequence: nonsense.
Genome position (GRCh38, 1-based): chr10:27,100,220, G>T on the plus strand (C>A on the coding strand, the complement: ANKRD26 is on the minus strand). VCF-style: chr10-27100220-G-T. GRCh37 (hg19) VCF-style: chr10-27389149-G-T.
Other names: c.107C>A, p.Ser36Ter (NM_001256053.2); short protein forms S36*.
Identifiers: ClinVar variation 2992559 (VCV002992559.3), dbSNP rs370482604, ClinGen allele CA5449064.
Genomic context (GRCh38, chr10:27,100,220, plus strand): 5'-GCGCTGGCAGCTTTGTGGATCTTGCCGAGATCTCGGTCTCGGACGTGGTAGCCGGGCTGC[G>T]AGTAGGCGCCCTCCCCCGGCTCGCCCCCGCCTCCCGCGCTGCTCCTCTGCCGCCGCGCGA-3'